The following is an entry in ClinVar:

ClinVar aggregate classification (germline): Uncertain significance (1 of 4 stars; one submission).

Allele frequency attached by ClinVar (database versions not stated): TOPMed below 0.00001; gnomAD 0.00001.
gnomAD v4.1: 1 of 1,585,454 alleles (0.000063%); highest among the groups gnomAD compares: Non-Finnish European, 0.000086%; no homozygotes.

Submission:

Labcorp Genetics (formerly Invitae), Labcorp
Classification: Uncertain significance. Last evaluated: 2022-08-24. Review status: criteria provided, single submitter. Criteria: Invitae Variant Classification Sherloc (09022015). Collection method: clinical testing. Allele origin: germline.
Comment: Algorithms developed to predict the effect of missense changes on protein structure and function (SIFT, PolyPhen-2, Align-GVGD) all suggest that this variant is likely to be tolerated. In summary, the available evidence is currently insufficient to determine the role of this variant in disease. Therefore, it has been classified as a Variant of Uncertain Significance. This variant has not been reported in the literature in individuals affected with ARHGEF1-related conditions. This variant is present in population databases (no rsID available, gnomAD 0.007%). This sequence change replaces alanine, which is neutral and non-polar, with valine, which is neutral and non-polar, at codon 274 of the ARHGEF1 protein (p.Ala274Val).

NM_004706.4(ARHGEF1):c.776C>T (p.Ala259Val)

Gene: ARHGEF1 (Rho guanine nucleotide exchange factor 1; plus strand). Cytogenetic location: 19q13.2.
Variant type: single nucleotide variant.
Coding change: c.776C>T on transcript NM_004706.4 (MANE Select); coding-DNA position 776, C replaced by T.
Protein change: p.Ala259Val; replaces alanine 259 with valine.
Molecular consequence: missense variant. On other transcripts: non-coding transcript variant (2).
Genome position (GRCh38, 1-based): chr19:41,894,482, C>T. VCF-style: chr19-41894482-C-T. GRCh37 (hg19) VCF-style: chr19-42398555-C-T.
Other names: c.776C>T, p.Ala259Val (NM_001396000.1, NM_001396003.1, NM_001396006.1); c.677C>T, p.Ala226Val (NM_001396002.1, NM_001396004.1, NM_198977.2); c.821C>T, p.Ala274Val (NM_199002.2); short protein forms A274V, A226V, A259V.
Identifiers: ClinVar variation 1936837 (VCV001936837.5), dbSNP rs1555847088, ClinGen allele CA406052290.
Genomic context (GRCh38, chr19:41,894,482, plus strand): 5'-GCCTGGTCTTCCTCCCCGCCCTCTCACAGGTGATGGGGAACCGGCGGTCGGACGAGCCTG[C>T]CAAGACCAAGAAGGGGCTGAGCAGCATCCTGGATGCCGCCCGCTGGAACCGGGGAGAGCC-3'
Protein context (NP_004697.2, residues 249-269): VMGNRRSDEP[Ala259Val]KTKKGLSSIL